The following is an entry in ClinVar:

NM_198578.4(LRRK2):c.4933T>G (p.Tyr1645Asp)

Gene: LRRK2 (leucine rich repeat kinase 2; plus strand). Cytogenetic location: 12q12.
Variant type: single nucleotide variant.
Coding change: c.4933T>G on transcript NM_198578.4 (MANE Select); coding-DNA position 4933, T replaced by G.
Protein change: p.Tyr1645Asp; replaces tyrosine 1645 with aspartic acid.
Molecular consequence: missense variant.
Genome position (GRCh38, 1-based): chr12:40,320,093, T>G. VCF-style: chr12-40320093-T-G. GRCh37 (hg19) VCF-style: chr12-40713895-T-G.
Other names: short protein forms Y1645D.
Identifiers: ClinVar variation 1744212 (VCV001744212.2), dbSNP rs2499873688, ClinGen allele CA384419612.
Genomic context (GRCh38, chr12:40,320,093, plus strand): 5'-ATTATTTCGCGTAGAGATGTGGAAAAATTTCTTTCAAAAAAAAGGAAATTTCCAAAGAAC[T>G]ACATGTCACAGTATTTTAAGCTCCTAGAAAAATTCCAGATTGCTTTGCCAATAGGAGAAG-3'
Protein context (NP_940980.4, residues 1635-1655): LSKKRKFPKN[Tyr1645Asp]MSQYFKLLEK

ClinVar aggregate classification (germline): Uncertain significance (1 of 4 stars; one submission).

Conditions:
Inborn genetic diseases. Identifiers: MedGen C0950123, MeSH D030342.

Allele frequency attached by ClinVar (database versions not stated): gnomAD exomes below 0.00001.
gnomAD v4.1: 2 of 1,611,858 alleles (0.00012%); highest among the groups gnomAD compares: Non-Finnish European, 0.00017%; no homozygotes.

Submission:

Ambry Genetics
Classification: Uncertain significance for Inborn genetic diseases. Last evaluated: 2021-07-09. Review status: criteria provided, single submitter. Criteria: Ambry Variant Classification Scheme 2023. Collection method: clinical testing. Allele origin: germline.
Comment: The p.Y1645D variant (also known as c.4933T>G), located in coding exon 34 of the LRRK2 gene, results from a T to G substitution at nucleotide position 4933. The tyrosine at codon 1645 is replaced by aspartic acid, an amino acid with highly dissimilar properties. This amino acid position is conserved. In addition, this alteration is predicted to be deleterious by in silico analysis. Since supporting evidence is limited at this time, the clinical significance of this alteration remains unclear.